The following is an entry in ClinVar:

NM_014795.4(ZEB2):c.2140C>A (p.Pro714Thr)

Gene: ZEB2 (zinc finger E-box binding homeobox 2; minus strand). Cytogenetic location: 2q22.3.
Variant type: single nucleotide variant.
Coding change: c.2140C>A on transcript NM_014795.4 (MANE Select); coding-DNA position 2140, C replaced by A.
Protein change: p.Pro714Thr; replaces proline 714 with threonine.
Molecular consequence: missense variant.
Genome position (GRCh38, 1-based): chr2:144,399,047, G>T on the plus strand (C>A on the coding strand, the complement: ZEB2 is on the minus strand). VCF-style: chr2-144399047-G-T. GRCh37 (hg19) VCF-style: chr2-145156614-G-T.
Other names: c.2068C>A, p.Pro690Thr (NM_001171653.2); short protein forms P690T, P714T.
Identifiers: ClinVar variation 2631246 (VCV002631246.1), dbSNP rs2549106150, ClinGen allele CA348708943.

ClinVar aggregate classification (germline): Uncertain significance (1 of 4 stars; one submission).

Conditions:
ZEB2-related disorder. Also called: ZEB2-related condition.

Submission:

PreventionGenetics, part of Exact Sciences
Classification: Uncertain significance for ZEB2-related condition. Last evaluated: 2023-08-09. Review status: criteria provided, single submitter. Criteria: ACMG Guidelines, 2015. Collection method: clinical testing. Allele origin: germline.
Comment: The ZEB2 c.2140C>A variant is predicted to result in the amino acid substitution p.Pro714Thr. To our knowledge, this variant has not been reported in the literature or in a large population database, indicating this variant is rare. At this time, the clinical significance of this variant is uncertain due to the absence of conclusive functional and genetic evidence.